The following is an entry in ClinVar:

NC_000011.10:g.17476972A>G

Gene: ABCC8 (ATP binding cassette subfamily C member 8; minus strand). Cytogenetic location: 11p15.1.
Variant type: single nucleotide variant.
Genome position: GRCh38 VCF-style: chr11-17476972-A-G. GRCh37 (hg19) VCF-style: chr11-17498519-A-G.
Identifiers: ClinVar variation 3056721 (VCV003056721.2), dbSNP rs1224758676, ClinGen allele CA597670848.
Genomic context (GRCh38, chr11:17,476,972, plus strand): 5'-GCTGGCCTCCCCCTCCCTCACCCCGCCCTGCTCCACCACCTGCGGGGCCGGGGGGCGGCG[A>G]GGAACCCGACCGGCCCTGCTACGCTTGCGCCCACCTTCCAGATGTGGAGGCGCGTGCTCC-3'

ClinVar aggregate classification (germline): Likely benign (0 of 4 stars; one submission).

Conditions:
ABCC8-related disorder.

Allele frequency attached by ClinVar (database versions not stated): gnomAD 0.00001; gnomAD exomes 0.00001; TOPMed 0.00004.

Submission:

PreventionGenetics, part of Exact Sciences
Classification: Likely benign for ABCC8-related condition. Last evaluated: 2023-07-10. Review status: no assertion criteria provided. Collection method: clinical testing. Allele origin: germline.
Comment: This variant is classified as likely benign based on ACMG/AMP sequence variant interpretation guidelines (Richards et al. 2015 PMID: 25741868, with internal and published modifications).